The following is an entry in ClinVar:

ClinVar aggregate classification (germline): Pathogenic (1 of 4 stars; one submission).

Submission:

GeneDx
Classification: Pathogenic. Last evaluated: 2024-11-11. Review status: criteria provided, single submitter. Criteria: GeneDx Variant Classification Process June 2021. Collection method: clinical testing. Allele origin: germline. Affected: yes.
Comment: Identified in individuals with features of KBG syndrome in the published literature, and found to be de novo in one patient (PMID: 35861666, 26269249); Frameshift variant predicted to result in protein truncation or nonsense mediated decay in a gene for which loss of function is a known mechanism of disease; Not observed at significant frequency in large population cohorts (gnomAD); This variant is associated with the following publications: (PMID: 33057194, 35982159, 26269249, 27605097, 25424714, 35861666)

NM_013275.6(ANKRD11):c.1460_1463del (p.Glu487fs)

Gene: ANKRD11 (ankyrin repeat domain containing 11; minus strand). Cytogenetic location: 16q24.3.
Variant type: Microsatellite.
Coding change: c.1460_1463del on transcript NM_013275.6 (MANE Select); coding-DNA positions 1460 to 1463, 4 bases deleted (AGAG; older notation c.1460_1463delAGAG).
Protein change: p.Glu487fs; shifts the reading frame from glutamic acid 487.
Molecular consequence: frameshift variant.
Genome position (GRCh38, 1-based): chr16:89,285,079-89,285,082, CTCT deleted on the plus strand (AGAG on the coding strand, the reverse complement: ANKRD11 is on the minus strand); deleting any 4 consecutive bases within chr16:89,285,079-89,285,084 gives the same sequence; the c. name uses the placement nearest the transcript's 3' end. VCF-style (leftmost placement, unchanged base first): chr16-89285078-ACTCT-A. GRCh37 (hg19) VCF-style: chr16-89351486-ACTCT-A.
Other names: c.1460_1463del, p.Glu487fs (NM_001256182.2, NM_001256183.2); short protein forms E487fs.
Identifiers: ClinVar variation 3898842 (VCV003898842.1).